The following is an entry in ClinVar:

NM_001270974.2(HYDIN):c.9820T>C (p.Ser3274Pro)

Gene: HYDIN (HYDIN axonemal central pair apparatus protein; minus strand). Cytogenetic location: 16q22.2.
Variant type: single nucleotide variant.
Coding change: c.9820T>C on transcript NM_001270974.2 (MANE Select); coding-DNA position 9820, T replaced by C.
Protein change: p.Ser3274Pro; replaces serine 3274 with proline.
Molecular consequence: missense variant.
Genome position (GRCh38, 1-based): chr16:70,884,079, A>G on the plus strand (T>C on the coding strand, the complement: HYDIN is on the minus strand). VCF-style: chr16-70884079-A-G. GRCh37 (hg19) VCF-style: chr16-70917982-A-G.
Other names: short protein forms S3274P.
Identifiers: ClinVar variation 5039312 (VCV005039312.1).

ClinVar aggregate classification (germline): Uncertain significance (1 of 4 stars; one submission).

gnomAD v4.1: 13 of 1,610,910 alleles (0.00081%); highest among the groups gnomAD compares: Non-Finnish European, 0.0011%; no homozygotes.

Submission:

CeGaT Center for Human Genetics Tuebingen
Classification: Uncertain significance. Last evaluated: 2026-07-01. Review status: criteria provided, single submitter. Criteria: CeGaT Center For Human Genetics Tuebingen Variant Classification Criteria Version 2. Collection method: clinical testing. Allele origin: germline. Affected: yes. Observed: 1 variant allele.
Comment: HYDIN: PM2, BP4